The following is an entry in ClinVar:

ClinVar aggregate classification (germline): Uncertain significance (1 of 4 stars; one submission).

gnomAD v4.1: 1 of 1,568,996 alleles (0.000064%); highest among the groups gnomAD compares: Non-Finnish European, 0.000086%; no homozygotes.

Submission:

Labcorp Genetics (formerly Invitae), Labcorp
Classification: Uncertain significance. Last evaluated: 2024-04-25. Review status: criteria provided, single submitter. Criteria: Invitae Variant Classification Sherloc (09022015). Collection method: clinical testing. Allele origin: germline.
Comment: This variant occurs in a non-coding region of the ANKRD26 gene. It does not change the encoded amino acid sequence of the ANKRD26 protein. This variant is not present in population databases (gnomAD no frequency). This variant has not been reported in the literature in individuals affected with ANKRD26-related conditions. In summary, the available evidence is currently insufficient to determine the role of this variant in disease. Therefore, it has been classified as a Variant of Uncertain Significance.

NM_014915.3(ANKRD26):c.-83G>C

Gene: ANKRD26 (ankyrin repeat domain 26; minus strand). Cytogenetic location: 10p12.1.
Variant type: single nucleotide variant.
Coding change: c.-83G>C on transcript NM_014915.3 (MANE Select); 83 bases upstream of the start codon, G replaced by C.
Molecular consequence: 5 prime UTR variant.
Genome position (GRCh38, 1-based): chr10:27,100,409, C>G on the plus strand (G>C on the coding strand, the complement: ANKRD26 is on the minus strand). VCF-style: chr10-27100409-C-G. GRCh37 (hg19) VCF-style: chr10-27389338-C-G.
Other names: c.-83G>C (NM_001256053.2).
Identifiers: ClinVar variation 2830649 (VCV002830649.3), dbSNP rs754032631, ClinGen allele CA2574517252.